The following is an entry in ClinVar:

ClinVar aggregate classification (germline): Uncertain significance (1 of 4 stars; one submission).

Submission:

GeneDx
Classification: Uncertain significance. Last evaluated: 2025-12-02. Review status: criteria provided, single submitter. Criteria: GeneDx Variant Classification Process June 2021. Collection method: clinical testing. Allele origin: germline.
Comment: Not observed at significant frequency in large population cohorts (gnomAD); In silico analysis supports that this missense variant has a deleterious effect on protein structure/function; Has not been previously published as pathogenic or benign to our knowledge

NM_003128.3(SPTBN1):c.1245A>G (p.Ile415Met)

Gene: SPTBN1 (spectrin beta, non-erythrocytic 1; plus strand). Cytogenetic location: 2p16.2.
Variant type: single nucleotide variant.
Coding change: c.1245A>G on transcript NM_003128.3 (MANE Select); coding-DNA position 1245, A replaced by G.
Protein change: p.Ile415Met; replaces isoleucine 415 with methionine.
Molecular consequence: missense variant.
Genome position (GRCh38, 1-based): chr2:54,624,866, A>G. VCF-style: chr2-54624866-A-G. GRCh37 (hg19) VCF-style: chr2-54852003-A-G.
Other names: c.1206A>G, p.Ile402Met (NM_178313.3); short protein forms I402M, I415M.
Identifiers: ClinVar variation 3364008 (VCV003364008.2).
Genomic context (GRCh38, chr2:54,624,866, plus strand): 5'-CTGGGAAAGACTGGAAAAAGCGGAACACGAAAGAGAACTGGCTTTGCGGAATGAGCTCAT[A>G]AGACAGGAGAAACTGGAACAGCTCGCCCGCAGATTTGATCGCAAGGCAGCTATGAGGGAG-3'
Protein context (NP_003119.2, residues 405-425): ERELALRNEL[Ile415Met]RQEKLEQLAR